The following is an entry in ClinVar:

ClinVar aggregate classification (germline): Uncertain significance (1 of 4 stars; one submission).

Conditions:
Hereditary pheochromocytoma and paraganglioma. Also called: Hereditary paragangliomas and pheochromocytomas; Hereditary Paraganglioma-Pheochromocytoma Syndromes; Hereditary pheochromocytoma-paraganglioma. Identifiers: Orphanet 29072, MedGen C4274332, MONDO:0017366.

Submission:

Labcorp Genetics (formerly Invitae), Labcorp
Classification: Uncertain significance for Hereditary pheochromocytoma and paraganglioma. Last evaluated: 2024-05-26. Review status: criteria provided, single submitter. Criteria: Invitae Variant Classification Sherloc (09022015). Collection method: clinical testing. Allele origin: germline.
Comment: This sequence change replaces threonine, which is neutral and polar, with isoleucine, which is neutral and non-polar, at codon 29 of the SDHAF2 protein (p.Thr29Ile). This variant is not present in population databases (gnomAD no frequency). This variant has not been reported in the literature in individuals affected with SDHAF2-related conditions. An algorithm developed to predict the effect of missense changes on protein structure and function (PolyPhen-2) suggests that this variant is likely to be tolerated. In summary, the available evidence is currently insufficient to determine the role of this variant in disease. Therefore, it has been classified as a Variant of Uncertain Significance.

NM_017841.4(SDHAF2):c.86C>T (p.Thr29Ile)

Gene: SDHAF2 (succinate dehydrogenase complex assembly factor 2; plus strand). Cytogenetic location: 11q12.2.
Variant type: single nucleotide variant.
Coding change: c.86C>T on transcript NM_017841.4 (MANE Select); coding-DNA position 86, C replaced by T.
Protein change: p.Thr29Ile; replaces threonine 29 with isoleucine.
Molecular consequence: missense variant.
Genome position (GRCh38, 1-based): chr11:61,437,674, C>T. VCF-style: chr11-61437674-C-T. GRCh37 (hg19) VCF-style: chr11-61205146-C-T.
Other names: short protein forms T29I.
Identifiers: ClinVar variation 3654596 (VCV003654596.2).